The following is an entry in ClinVar:

NM_002430.3(MN1):c.968T>C (p.Met323Thr)

Gene: MN1 (MN1 proto-oncogene, transcriptional regulator; minus strand). Cytogenetic location: 22q12.1.
Variant type: single nucleotide variant.
Coding change: c.968T>C on transcript NM_002430.3 (MANE Select); coding-DNA position 968, T replaced by C.
Protein change: p.Met323Thr; replaces methionine 323 with threonine.
Molecular consequence: missense variant.
Genome position (GRCh38, 1-based): chr22:27,799,576, A>G on the plus strand (T>C on the coding strand, the complement: MN1 is on the minus strand). VCF-style: chr22-27799576-A-G. GRCh37 (hg19) VCF-style: chr22-28195564-A-G.
Other names: short protein forms M323T.
Identifiers: ClinVar variation 2603809 (VCV002603809.3), dbSNP rs1253285822, ClinGen allele CA411049631.

ClinVar aggregate classification (germline): Uncertain significance. Review status: criteria provided, multiple submitters, no conflicts (2 of 4 stars). 2 submissions from 2 submitters: Uncertain significance (2). Last evaluated 2023-08-18.

Conditions:
Inborn genetic diseases. Identifiers: MedGen C0950123, MeSH D030342.
MN1-related disorder. Also called: MN1-related condition.

Allele frequency attached by ClinVar (database versions not stated): TOPMed below 0.00001; gnomAD 0.00001; gnomAD exomes 0.00003.
gnomAD v4.1: 39 of 1,500,572 alleles (0.0026%); highest among the groups gnomAD compares: Non-Finnish European, 0.0034%; no homozygotes.

Submissions (2):

PreventionGenetics, part of Exact Sciences
Classification: Uncertain significance for MN1-related condition. Last evaluated: 2023-08-18. Review status: criteria provided, single submitter. Criteria: ACMG Guidelines, 2015. Collection method: clinical testing. Allele origin: germline.
Comment: The MN1 c.968T>C variant is predicted to result in the amino acid substitution p.Met323Thr. To our knowledge, this variant has not been reported in the literature. This variant is reported in 0.0055% of alleles in individuals of Latino descent in gnomAD. At this time, the clinical significance of this variant is uncertain due to the absence of conclusive functional and genetic evidence.

Ambry Genetics
Classification: Uncertain significance for Inborn genetic diseases. Last evaluated: 2023-06-26. Review status: criteria provided, single submitter. Criteria: Ambry Variant Classification Scheme 2023. Collection method: clinical testing. Allele origin: germline.